The following is an entry in ClinVar:

ClinVar aggregate classification (germline): Uncertain significance (1 of 4 stars; one submission).

Allele frequency attached by ClinVar (database versions not stated): ExAC 0.00001; gnomAD exomes 0.00001; TOPMed 0.00002; gnomAD 0.00003.
gnomAD v4.1: 10 of 1,614,066 alleles (0.00062%); highest among the groups gnomAD compares: African/African-American, 0.0013%; no homozygotes.

Submission:

Athena Diagnostics
Classification: Uncertain significance. Last evaluated: 2024-06-05. Review status: criteria provided, single submitter. Criteria: Athena Diagnostics Criteria. Collection method: clinical testing. Allele origin: unknown.
Comment: Available data are insufficient to determine the clinical significance of the variant at this time. The frequency of this variant in the general population is uninformative in assessment of its pathogenicity. Polyphen and MutationTaster predict this amino acid change may be damaging to the protein.

NM_006946.4(SPTBN2):c.655C>T (p.Arg219Trp)

Gene: SPTBN2 (spectrin beta, non-erythrocytic 2; minus strand). Cytogenetic location: 11q13.2.
Variant type: single nucleotide variant.
Coding change: c.655C>T on transcript NM_006946.4 (MANE Select); coding-DNA position 655, C replaced by T.
Protein change: p.Arg219Trp; replaces arginine 219 with tryptophan.
Molecular consequence: missense variant.
Genome position (GRCh38, 1-based): chr11:66,714,092, G>A on the plus strand (C>T on the coding strand, the complement: SPTBN2 is on the minus strand). VCF-style: chr11-66714092-G-A. GRCh37 (hg19) VCF-style: chr11-66481563-G-A.
Other names: short protein forms R219W.
Identifiers: ClinVar variation 448521 (VCV000448521.2), dbSNP rs770733211, ClinGen allele CA6129614.
Genomic context (GRCh38, chr11:66,714,092, plus strand): 5'-ACCCCAGGTCATTAGCCGACCCAGCAGCTCTGCTGCGTTTGCTAACCCCATCTTCTCACC[G>A]GTGTTTATGCACGATGGCGTTGAAAGCTAGTCCATCTCTCCAGCTGGTGGTGAAGTTGTG-3'
Protein context (NP_008877.2, residues 209-229): LAFNAIVHKH[Arg219Trp]PDLLDFESLK